The following is an entry in ClinVar:

NM_000179.3(MSH6):c.4055_*10dup (p.Lys1352_Ter1361=)

Gene: MSH6 (mutS homolog 6; plus strand). Cytogenetic location: 2p16.3.
Variant type: Duplication.
Coding change: c.4055_*10dup on transcript NM_000179.3 (MANE Select); coding-DNA position 4055 through 10 bases downstream of the stop codon, 39 bases duplicated.
Protein change: p.Lys1352_Ter1361=.
Molecular consequence: no sequence alteration. On other transcripts: 3 prime UTR variant (5), non-coding transcript variant (5).
Genome position (GRCh38, 1-based): chr2:47,806,832-47,806,870, 39 bases duplicated; duplicating any 39 consecutive bases within chr2:47,806,831-47,806,870 gives the same sequence; the c. name uses the placement nearest the transcript's 3' end. GRCh37 (hg19): chr2:48,033,971-48,034,009.
Other names: c.3665_*10dup, p.Lys1222_Ter1231= (NM_001281492.2); c.3149_*10dup, p.Lys1050_Ter1059= (NM_001281493.2, NM_001281494.2, NM_001406811.1 and 6 more transcripts); c.4151_*10dup, p.Lys1384_Ter1393= (NM_001406795.1); c.4055_*10dup, p.Lys1352_Ter1361= (NM_001406796.1, NM_001406809.1); c.3758_*10dup, p.Lys1253_Ter1262= (NM_001406797.1, NM_001406805.1, NM_001406818.1 and 8 more transcripts); c.3881_*10dup, p.Lys1294_Ter1303= (NM_001406798.1); c.3530_*10dup, p.Lys1177_Ter1186= (NM_001406799.1, NM_001406806.1, NM_001406807.1); c.*76_*114dup (NM_001406800.1); and 9 more.
Identifiers: ClinVar variation 3708800 (VCV003708800.2).

ClinVar aggregate classification (germline): Uncertain significance (1 of 4 stars; one submission).

Conditions:
Hereditary nonpolyposis colorectal neoplasms. Identifiers: MedGen C0009405, MeSH D003123.

Submission:

Labcorp Genetics (formerly Invitae), Labcorp
Classification: Uncertain significance for Hereditary nonpolyposis colorectal neoplasms. Last evaluated: 2025-06-18. Review status: criteria provided, single submitter. Criteria: Invitae Variant Classification Sherloc (09022015). Collection method: clinical testing. Allele origin: germline.
Comment: This variant occurs in a non-coding region of the MSH6 gene. It does not change the encoded amino acid sequence of the MSH6 protein. This variant is not present in population databases (gnomAD no frequency). This variant has not been reported in the literature in individuals affected with MSH6-related conditions. ClinVar contains an entry for this variant (Variation ID: 3708800). Experimental studies and prediction algorithms are not available or were not evaluated, and the functional significance of this variant is currently unknown. In summary, the available evidence is currently insufficient to determine the role of this variant in disease. Therefore, it has been classified as a Variant of Uncertain Significance.